The following is an entry in ClinVar:

ClinVar aggregate classification (germline): Uncertain significance (1 of 4 stars; one submission).

Allele frequency attached by ClinVar (database versions not stated): gnomAD exomes below 0.00001; TOPMed below 0.00001.
gnomAD v4.1: 1 of 1,581,868 alleles (0.000063%); highest among the groups gnomAD compares: Admixed American, 0.0017%; no homozygotes.

Submission:

Labcorp Genetics (formerly Invitae), Labcorp
Classification: Uncertain significance. Last evaluated: 2022-06-20. Review status: criteria provided, single submitter. Criteria: Invitae Variant Classification Sherloc (09022015). Collection method: clinical testing. Allele origin: germline.
Comment: In summary, the available evidence is currently insufficient to determine the role of this variant in disease. Therefore, it has been classified as a Variant of Uncertain Significance. Algorithms developed to predict the effect of sequence changes on RNA splicing suggest that this variant may create or strengthen a splice site. Algorithms developed to predict the effect of missense changes on protein structure and function are either unavailable or do not agree on the potential impact of this missense change (SIFT: "Deleterious"; PolyPhen-2: "Possibly Damaging"; Align-GVGD: "Class C0"). This variant has not been reported in the literature in individuals affected with ADGRV1-related conditions. This variant is present in population databases (no rsID available, gnomAD 0.003%). This sequence change replaces proline, which is neutral and non-polar, with threonine, which is neutral and polar, at codon 968 of the ADGRV1 protein (p.Pro968Thr).

NM_032119.4(ADGRV1):c.2902C>A (p.Pro968Thr)

Gene: ADGRV1 (adhesion G protein-coupled receptor V1; plus strand). Cytogenetic location: 5q14.3.
Variant type: single nucleotide variant.
Coding change: c.2902C>A on transcript NM_032119.4 (MANE Select); coding-DNA position 2902, C replaced by A.
Protein change: p.Pro968Thr; replaces proline 968 with threonine.
Molecular consequence: missense variant. On other transcripts: non-coding transcript variant (1).
Genome position (GRCh38, 1-based): chr5:90,645,971, C>A. VCF-style: chr5-90645971-C-A. GRCh37 (hg19) VCF-style: chr5-89941788-C-A.
Other names: short protein forms P968T.
Identifiers: ClinVar variation 1492958 (VCV001492958.6), dbSNP rs1442654293, ClinGen allele CA360392476.
Genomic context (GRCh38, chr5:90,645,971, plus strand): 5'-ATGATGTAATTTATATGTATAAGTCACCTGACTTAAAACGTGTAACATTTTCCAAAGATT[C>A]CAGAAGAAATGGAAGAATTTACCGTTATCCTACTGAATGGCACTGGAGGAGCTAAAGTGG-3'
Protein context (NP_115495.3, residues 958-978): ITIYSLPDEI[Pro968Thr]EEMEEFTVIL